The following is an entry in ClinVar:

ClinVar aggregate classification (germline): Uncertain significance (1 of 4 stars; one submission).

Conditions:
Hereditary cancer-predisposing syndrome. Also called: Neoplastic Syndromes, Hereditary; Tumor predisposition; Hereditary Cancer Syndrome; Hereditary neoplastic syndrome. Identifiers: Orphanet 140162, MedGen C0027672, MeSH D009386, MONDO:0015356.

Submission:

Ambry Genetics
Classification: Uncertain significance for Hereditary cancer-predisposing syndrome. Last evaluated: 2020-01-16. Review status: criteria provided, single submitter. Criteria: Ambry Variant Classification Scheme 2023. Collection method: clinical testing. Allele origin: germline.
Comment: The p.I565L variant (also known as c.1693A>C), located in coding exon 11 of the CDH1 gene, results from an A to C substitution at nucleotide position 1693. The isoleucine at codon 565 is replaced by leucine, an amino acid with highly similar properties. This amino acid position is well conserved in available vertebrate species. In addition, this alteration is predicted to be tolerated by in silico analysis. Since supporting evidence is limited at this time, the clinical significance of this alteration remains unclear.

NM_004360.5(CDH1):c.1693A>C (p.Ile565Leu)

Gene: CDH1 (cadherin 1; plus strand). Cytogenetic location: 16q22.1.
Variant type: single nucleotide variant.
Coding change: c.1693A>C on transcript NM_004360.5 (MANE Select); coding-DNA position 1693, A replaced by C.
Protein change: p.Ile565Leu; replaces isoleucine 565 with leucine.
Molecular consequence: missense variant. On other transcripts: intron variant (1).
Genome position (GRCh38, 1-based): chr16:68,819,407, A>C. VCF-style: chr16-68819407-A-C. GRCh37 (hg19) VCF-style: chr16-68853310-A-C.
Other names: c.1510A>C, p.Ile504Leu (NM_001317184.2); c.145A>C, p.Ile49Leu (NM_001317185.2); c.-254-2594A>C (NM_001317186.2); short protein forms I565L, I504L, I49L.
Identifiers: ClinVar variation 1778172 (VCV001778172.2), dbSNP rs1961080115, ClinGen allele CA396465393.